The following is an entry in ClinVar:

ClinVar aggregate classification (germline): Uncertain significance. Review status: criteria provided, multiple submitters, no conflicts (2 of 4 stars). 2 submissions from 2 submitters: Uncertain significance (2). Last evaluated 2026-06-17.

Conditions:
Hereditary breast ovarian cancer syndrome. Also called: Hereditary breast and ovarian cancer; Hereditary breast and ovarian cancer syndrome (HBOC); Hereditary breast and/or ovarian cancer syndrome; Hereditary breast and ovarian cancer syndrome; Breast and ovarian cancer; BRCA1- and BRCA2-Associated Hereditary Breast and Ovarian Cancer. Identifiers: Orphanet 145, MedGen C0677776, MeSH D061325, MONDO:0003582. Disease mechanism: loss of function.
Hereditary cancer-predisposing syndrome. Also called: Tumor predisposition; Hereditary neoplastic syndrome; Neoplastic Syndromes, Hereditary; Hereditary Cancer Syndrome. Identifiers: Orphanet 140162, MedGen C0027672, MeSH D009386, MONDO:0015356.

Submissions (2):

Ambry Genetics
Classification: Uncertain significance for Hereditary cancer-predisposing syndrome. Last evaluated: 2026-06-17. Review status: criteria provided, single submitter. Criteria: Ambry Variant Classification Scheme 2023. Collection method: clinical testing. Allele origin: germline.
Comment: The p.R2842S variant (also known as c.8524C>A), located in coding exon 19 of the BRCA2 gene, results from a C to A substitution at nucleotide position 8524. The arginine at codon 2842 is replaced by serine, an amino acid with dissimilar properties. This variant demonstrated a hypomorphic impact in a homology-directed repair assay (Ambry internal data). The results from two saturation genome editing-based studies, including a haploid cell-survival assay and a humanized mouse embryonic stem cell line assay of drug response and survival, are discordant for this nucleotide substitution (Huang H et al. Nature, 2025 Feb;638:528-537; Sahu S et al. Nature, 2025 Feb;638:538-545). This amino acid position is highly conserved in available vertebrate species. In addition, this alteration is predicted to be deleterious by in silico analysis. Based on the available evidence, the clinical significance of this variant remains unclear.

Labcorp Genetics (formerly Invitae), Labcorp
Classification: Uncertain significance for Hereditary breast ovarian cancer syndrome. Last evaluated: 2019-12-30. Review status: criteria provided, single submitter. Criteria: Invitae Variant Classification Sherloc (09022015). Collection method: clinical testing. Allele origin: germline.
Comment: This sequence change replaces arginine with serine at codon 2842 of the BRCA2 protein (p.Arg2842Ser). The arginine residue is highly conserved and there is a moderate physicochemical difference between arginine and serine. This variant is not present in population databases (ExAC no frequency). This variant has not been reported in the literature in individuals with BRCA2-related conditions. Algorithms developed to predict the effect of missense changes on protein structure and function (SIFT, PolyPhen-2, Align-GVGD) all suggest that this variant is likely to be disruptive, but these predictions have not been confirmed by published functional studies and their clinical significance is uncertain. Algorithms developed to predict the effect of sequence changes on RNA splicing suggest that this variant may create or strengthen a splice site, but this prediction has not been confirmed by published transcriptional studies. In summary, the available evidence is currently insufficient to determine the role of this variant in disease. Therefore, it has been classified as a Variant of Uncertain Significance.

Literature cited by the submitters: PubMed 39779848 (cited by Ambry Genetics); PubMed 39779857 (cited by Ambry Genetics).

NM_000059.4(BRCA2):c.8524C>A (p.Arg2842Ser)

Gene: BRCA2 (BRCA2 DNA repair associated; plus strand). Cytogenetic location: 13q13.1.
Variant type: single nucleotide variant.
Coding change: c.8524C>A on transcript NM_000059.4 (MANE Select); coding-DNA position 8524, C replaced by A.
Protein change: p.Arg2842Ser; replaces arginine 2842 with serine.
Molecular consequence: missense variant.
Genome position (GRCh38, 1-based): chr13:32,370,992, C>A. VCF-style: chr13-32370992-C-A. GRCh37 (hg19) VCF-style: chr13-32945129-C-A.
Other names: short protein forms R2842S.
Identifiers: ClinVar variation 848597 (VCV000848597.13), dbSNP rs80359104, ClinGen allele CA387752725.